The following is an entry in ClinVar:

ClinVar aggregate classification (germline): Uncertain significance (1 of 4 stars; one submission).

Conditions:
GPC4-related disorder. Also called: GPC4-related condition.

Submission:

PreventionGenetics, part of Exact Sciences
Classification: Uncertain significance for GPC4-related condition. Last evaluated: 2025-12-11. Review status: criteria provided, single submitter. Criteria: ACMG Guidelines, 2015. Collection method: clinical testing. Allele origin: germline.
Comment: The GPC4 c.1430A>T variant is predicted to result in the amino acid substitution p.Asn477Ile. To our knowledge, this variant has not been reported in the literature or in a large population database (gnomAD), indicating this variant is rare. At this time, the clinical significance of this variant is uncertain due to the absence of conclusive functional and genetic evidence.

NM_001448.3(GPC4):c.1430A>T (p.Asn477Ile)

Gene: GPC4 (glypican 4; minus strand). Cytogenetic location: Xq26.2.
Variant type: single nucleotide variant.
Coding change: c.1430A>T on transcript NM_001448.3 (MANE Select); coding-DNA position 1430, A replaced by T.
Protein change: p.Asn477Ile; replaces asparagine 477 with isoleucine.
Molecular consequence: missense variant.
Genome position (GRCh38, 1-based): chrX:133,303,204, T>A on the plus strand (A>T on the coding strand, the complement: GPC4 is on the minus strand). VCF-style: chrX-133303204-T-A. GRCh37 (hg19) VCF-style: chrX-132437232-T-A.
Other names: short protein forms N477I.
Identifiers: ClinVar variation 4994011 (VCV004994011.1).
Genomic context (GRCh38, chrX:133,303,204, plus strand): 5'-CTTTCAAACCACAAATGCTTACTGATATCAAAGAAGTCCACGTCGTTCCCATTGTATGCA[T>A]TCTTCATCTTGCTGGTCATCACTCGAAGAGCCATGATTTGACGAAGGATCAGTATGTCTG-3'
Protein context (NP_001439.2, residues 467-487): ALRVMTSKMK[Asn477Ile]AYNGNDVDFF